The following is an entry in ClinVar:

NM_199420.4(POLQ):c.7628T>C (p.Leu2543Pro)

Gene: POLQ (DNA polymerase theta; minus strand). Cytogenetic location: 3q13.33.
Variant type: single nucleotide variant.
Coding change: c.7628T>C on transcript NM_199420.4 (MANE Select); coding-DNA position 7628, T replaced by C.
Protein change: p.Leu2543Pro; replaces leucine 2543 with proline.
Molecular consequence: missense variant.
Genome position (GRCh38, 1-based): chr3:121,432,949, A>G on the plus strand (T>C on the coding strand, the complement: POLQ is on the minus strand). VCF-style: chr3-121432949-A-G. GRCh37 (hg19) VCF-style: chr3-121151796-A-G.
Other names: short protein forms L2543P.
Identifiers: ClinVar variation 1759863 (VCV001759863.2), dbSNP rs2546744847, ClinGen allele CA354093618.

ClinVar aggregate classification (germline): Uncertain significance (1 of 4 stars; one submission).

Submission:

Ambry Genetics
Classification: Uncertain significance. Last evaluated: 2022-06-15. Review status: criteria provided, single submitter. Criteria: Ambry Variant Classification Scheme 2023. Collection method: clinical testing. Allele origin: germline.
Comment: The p.L2543P variant (also known as c.7628T>C), located in coding exon 29 of the POLQ gene, results from a T to C substitution at nucleotide position 7628. The leucine at codon 2543 is replaced by proline, an amino acid with similar properties. This amino acid position is conserved. In addition, this alteration is predicted to be deleterious by in silico analysis. Since supporting evidence is limited at this time, the clinical significance of this alteration remains unclear.